The following is an entry in ClinVar:

ClinVar aggregate classification (germline): Pathogenic (1 of 4 stars; one submission).

Conditions:
Congenital hyperammonemia, type I. Also called: Carbamoyl phosphate synthetase I deficiency disease; CPS I DEFICIENCY; Carbamoyl-phosphate synthase I deficiency; Carbamoyl phosphate synthetase 1 deficiency; Hyperammonemia due to carbamoyl phosphate synthetase 1 deficiency; CPS 1 deficiency. Identifiers: Orphanet 147, MedGen C4082171, MONDO:0009376, OMIM 237300.

Submission:

Labcorp Genetics (formerly Invitae), Labcorp
Classification: Pathogenic for Congenital hyperammonemia, type I. Last evaluated: 2021-03-01. Review status: criteria provided, single submitter. Criteria: Invitae Variant Classification Sherloc (09022015). Collection method: clinical testing. Allele origin: germline.
Comment: This sequence change creates a premature translational stop signal (p.Lys1387*) in the CPS1 gene. It is expected to result in an absent or disrupted protein product. Loss-of-function variants in CPS1 are known to be pathogenic (PMID: 21120950). This variant is not present in population databases (ExAC no frequency). This variant has not been reported in the literature in individuals with CPS1-related conditions. For these reasons, this variant has been classified as Pathogenic.

Literature cited by the submitters: PubMed 21120950.

NM_001875.5(CPS1):c.4159A>T (p.Lys1387Ter)

Gene: CPS1 (carbamoyl-phosphate synthase 1; plus strand). Cytogenetic location: 2q34.
Variant type: single nucleotide variant.
Coding change: c.4159A>T on transcript NM_001875.5 (MANE Select); coding-DNA position 4159, A replaced by T.
Protein change: p.Lys1387Ter; replaces lysine 1387 with a stop codon.
Molecular consequence: nonsense. On other transcripts: non-coding transcript variant (2).
Genome position (GRCh38, 1-based): chr2:210,674,959, A>T. VCF-style: chr2-210674959-A-T. GRCh37 (hg19) VCF-style: chr2-211539683-A-T.
Other names: c.4159A>T, p.Lys1387Ter (NM_001122633.3, NM_001369257.1); c.4192A>T, p.Lys1398Ter (NM_001369256.1); short protein forms K1387*, K1398*.
Identifiers: ClinVar variation 1453334 (VCV001453334.6), dbSNP rs2105942900, ClinGen allele CA350440303.
Genomic context (GRCh38, chr2:210,674,959, plus strand): 5'-CAGCAATCATTCCGGCCAAGATTCCTTGGTGTGGCTGAACAATTACACAATGAAGGTTTC[A>T]AGGTATGTTCATTAGTTTTAAGTTGTTTTCTGTCAGCATGGAATCTGTCCACAAATCAAA-3'